The following is an entry in ClinVar:

ClinVar aggregate classification (germline): Uncertain significance. Review status: criteria provided, multiple submitters, no conflicts (2 of 4 stars). 2 submissions from 2 submitters: Uncertain significance (2). Last evaluated 2025-12-08.

Conditions:
Hereditary cancer-predisposing syndrome. Also called: Hereditary Cancer Syndrome; Tumor predisposition; Hereditary neoplastic syndrome; Neoplastic Syndromes, Hereditary. Identifiers: Orphanet 140162, MedGen C0027672, MeSH D009386, MONDO:0015356.

gnomAD v4.1: 20 of 1,614,136 alleles (0.0012%); highest among the groups gnomAD compares: Non-Finnish European, 0.0017%; no homozygotes.

Submissions (2):

Labcorp Genetics (formerly Invitae), Labcorp
Classification: Uncertain significance. Last evaluated: 2025-12-08. Review status: criteria provided, single submitter. Criteria: Invitae Variant Classification Sherloc (09022015). Collection method: clinical testing. Allele origin: germline.
Comment: This sequence change replaces asparagine, which is neutral and polar, with lysine, which is basic and polar, at codon 400 of the FH protein (p.Asn400Lys). This variant is not present in population databases (gnomAD no frequency). This variant has not been reported in the literature in individuals affected with FH-related conditions. ClinVar contains an entry for this variant (Variation ID: 1044995). Invitae Evidence Modeling of protein sequence and biophysical properties (such as structural, functional, and spatial information, amino acid conservation, physicochemical variation, residue mobility, and thermodynamic stability) indicates that this missense variant is expected to disrupt FH protein function with a positive predictive value of 95%. In summary, the available evidence is currently insufficient to determine the role of this variant in disease. Therefore, it has been classified as a Variant of Uncertain Significance.

Ambry Genetics
Classification: Uncertain significance for Hereditary cancer-predisposing syndrome. Last evaluated: 2023-05-16. Review status: criteria provided, single submitter. Criteria: Ambry Variant Classification Scheme 2023. Collection method: clinical testing. Allele origin: germline.
Comment: The p.N400K variant (also known as c.1200T>G), located in coding exon 8 of the FH gene, results from a T to G substitution at nucleotide position 1200. The asparagine at codon 400 is replaced by lysine, an amino acid with similar properties. This alteration has been detected in at least one individual with a paraganglioma (Ambry internal data). This amino acid position is highly conserved in available vertebrate species. In addition, the in silico prediction for this alteration is inconclusive. Since supporting evidence is limited at this time, the clinical significance of this alteration remains unclear.

NM_000143.4(FH):c.1200T>G (p.Asn400Lys)

Gene: FH (fumarate hydratase; minus strand). Cytogenetic location: 1q43.
Variant type: single nucleotide variant.
Coding change: c.1200T>G on transcript NM_000143.4 (MANE Select); coding-DNA position 1200, T replaced by G.
Protein change: p.Asn400Lys; replaces asparagine 400 with lysine.
Molecular consequence: missense variant.
Genome position (GRCh38, 1-based): chr1:241,502,479, A>C on the plus strand (T>G on the coding strand, the complement: FH is on the minus strand). VCF-style: chr1-241502479-A-C. GRCh37 (hg19) VCF-style: chr1-241665779-A-C.
Other names: short protein forms N400K.
Identifiers: ClinVar variation 1044995 (VCV001044995.12), dbSNP rs1659805291, ClinGen allele CA345437348.
Genomic context (GRCh38, chr1:241,502,479, plus strand): 5'-TTAAAAATCAGATTTAAAGCTTACCATCATTGGCTTGAAAACATTCAACTCAAAATGTCC[A>C]TTGCTGCCTCCGACAGTGACAGCAACATGGTTCCCCATGACTTGGGCTGCAACCATGGTC-3'
Protein context (NP_000134.2, residues 390-410): NHVAVTVGGS[Asn400Lys]GHFELNVFKP